The following is an entry in ClinVar:

ClinVar aggregate classification (germline): Uncertain significance. Review status: criteria provided, multiple submitters, no conflicts (2 of 4 stars). 3 submissions from 3 submitters: Uncertain significance (3). Last evaluated 2025-06-11.

Conditions:
Interstitial lung disease due to ABCA3 deficiency. Also called: PULMONARY ALVEOLAR PROTEINOSIS, CONGENITAL, 3. Identifiers: Orphanet 440402, MedGen C1970456, MONDO:0012582, OMIM 610921.

Allele frequency attached by ClinVar (database versions not stated): ExAC 0.00002; gnomAD 0.00002 and 0.00003; gnomAD exomes 0.00002; TOPMed 0.00002; ESP Exome Variant Server 0.00008; 1000 Genomes Project 0.00040; 1000 Genomes Project 30x 0.00047.

Submissions (3):

Johns Hopkins Genomics, Johns Hopkins University
Classification: Uncertain significance for Interstitial lung disease due to ABCA3 deficiency. Last evaluated: 2025-06-11. Review status: criteria provided, single submitter. Criteria: ACMG Guidelines, 2015. Collection method: clinical testing. Allele origin: germline.
Comment: This ABCA3 missense variant (rs182503361) is rare (<0.1%) in a large population dataset (gnomADv4.1.0: 24/1613994 total alleles; 0.0015%; no homozygotes) and has been reported in ClinVar (Variation ID: 318393). It has not been reported in the literature in individuals with pulmonary surfactant metabolism dysfunction to our knowledge. Of three bioinformatic tools queried, one predicts that this substitution would be damaging and two predict that it would tolerated. The valine residue at this position is evolutionarily conserved across most mammalian species assessed. We consider the clinical significance of ABCA3 c.5023G>A to be uncertain at this time.

GeneDx
Classification: Uncertain significance. Last evaluated: 2025-02-08. Review status: criteria provided, single submitter. Criteria: GeneDx Variant Classification Process June 2021. Collection method: clinical testing. Allele origin: germline. Affected: yes.
Comment: In silico analysis indicates that this missense variant does not alter protein structure/function; Has not been previously published as pathogenic or benign to our knowledge

Illumina Laboratory Services, Illumina
Classification: Uncertain significance for Interstitial lung disease due to ABCA3 deficiency. Last evaluated: 2018-01-12. Review status: criteria provided, single submitter. Criteria: ICSL Variant Classification Criteria 13 December 2019. Collection method: clinical testing. Allele origin: germline.

NM_001089.3(ABCA3):c.5023G>A (p.Val1675Met)

Gene: ABCA3 (ATP binding cassette subfamily A member 3; minus strand). Cytogenetic location: 16p13.3.
Variant type: single nucleotide variant.
Coding change: c.5023G>A on transcript NM_001089.3 (MANE Select); coding-DNA position 5023, G replaced by A.
Protein change: p.Val1675Met; replaces valine 1675 with methionine.
Molecular consequence: missense variant.
Genome position (GRCh38, 1-based): chr16:2,276,766, C>T on the plus strand (G>A on the coding strand, the complement: ABCA3 is on the minus strand). VCF-style: chr16-2276766-C-T. GRCh37 (hg19) VCF-style: chr16-2326767-C-T.
Other names: short protein forms V1675M.
Identifiers: ClinVar variation 318393 (VCV000318393.7), dbSNP rs182503361, ClinGen allele CA7839915.